The following is an entry in ClinVar:

NM_004304.5(ALK):c.1429G>T (p.Gly477Cys)

Gene: ALK (ALK receptor tyrosine kinase; minus strand). Cytogenetic location: 2p23.2.
Variant type: single nucleotide variant.
Coding change: c.1429G>T on transcript NM_004304.5 (MANE Select); coding-DNA position 1429, G replaced by T.
Protein change: p.Gly477Cys; replaces glycine 477 with cysteine.
Molecular consequence: missense variant.
Genome position (GRCh38, 1-based): chr2:29,320,868, C>A on the plus strand (G>T on the coding strand, the complement: ALK is on the minus strand). VCF-style: chr2-29320868-C-A. GRCh37 (hg19) VCF-style: chr2-29543734-C-A.
Other names: c.1429G>T (NM_004304.4); short protein forms G477C.
Identifiers: ClinVar variation 1714052 (VCV001714052.6), dbSNP rs2148251084, ClinGen allele CA346472698.

ClinVar aggregate classification (germline): Uncertain significance. Review status: criteria provided, multiple submitters, no conflicts (2 of 4 stars). 2 submissions from 2 submitters: Uncertain significance (2). Last evaluated 2026-05-14.

Conditions:
Hereditary cancer-predisposing syndrome. Also called: Hereditary Cancer Syndrome; Neoplastic Syndromes, Hereditary; Hereditary neoplastic syndrome; Tumor predisposition. Identifiers: Orphanet 140162, MedGen C0027672, MeSH D009386, MONDO:0015356.
Neuroblastoma, susceptibility to, 3. Also called: ALK-Related Neuroblastic Tumor Susceptibility. Identifiers: Orphanet 635, MedGen C2751681, MONDO:0013083, OMIM 613014.

Submissions (2):

Ambry Genetics
Classification: Uncertain significance for Hereditary cancer-predisposing syndrome. Last evaluated: 2026-05-14. Review status: criteria provided, single submitter. Criteria: Ambry Variant Classification Scheme 2023. Collection method: clinical testing. Allele origin: germline.
Comment: The p.G477C variant (also known as c.1429G>T), located in coding exon 7 of the ALK gene, results from a G to T substitution at nucleotide position 1429. The glycine at codon 477 is replaced by cysteine, an amino acid with highly dissimilar properties. This amino acid position is conserved. In addition, the in silico prediction for this alteration is inconclusive. Based on the available evidence, the clinical significance of this variant remains unclear.

Labcorp Genetics (formerly Invitae), Labcorp
Classification: Uncertain significance for Neuroblastoma, susceptibility to, 3. Last evaluated: 2025-04-07. Review status: criteria provided, single submitter. Criteria: Invitae Variant Classification Sherloc (09022015). Collection method: clinical testing. Allele origin: germline.
Comment: This sequence change replaces glycine, which is neutral and non-polar, with cysteine, which is neutral and slightly polar, at codon 477 of the ALK protein (p.Gly477Cys). This variant is not present in population databases (gnomAD no frequency). This variant has not been reported in the literature in individuals affected with ALK-related conditions. ClinVar contains an entry for this variant (Variation ID: 1714052). An algorithm developed to predict the effect of missense changes on protein structure and function (PolyPhen-2) suggests that this variant is likely to be disruptive. In summary, the available evidence is currently insufficient to determine the role of this variant in disease. Therefore, it has been classified as a Variant of Uncertain Significance.